The following is an entry in ClinVar:

NM_206933.4(USH2A):c.4885G>A (p.Gly1629Ser)

Gene: USH2A (usherin; minus strand). Cytogenetic location: 1q41.
Variant type: single nucleotide variant.
Coding change: c.4885G>A on transcript NM_206933.4 (MANE Select); coding-DNA position 4885, G replaced by A.
Protein change: p.Gly1629Ser; replaces glycine 1629 with serine.
Molecular consequence: missense variant.
Genome position (GRCh38, 1-based): chr1:216,089,013, C>T on the plus strand (G>A on the coding strand, the complement: USH2A is on the minus strand). VCF-style: chr1-216089013-C-T. GRCh37 (hg19) VCF-style: chr1-216262355-C-T.
Other names: short protein forms G1629S.
Identifiers: ClinVar variation 1401892 (VCV001401892.7), dbSNP rs895973483, ClinGen allele CA37449053.

ClinVar aggregate classification (germline): Uncertain significance. Review status: criteria provided, multiple submitters, no conflicts (2 of 4 stars). 2 submissions from 2 submitters: Uncertain significance (2). Last evaluated 2024-10-16.

Submissions (2):

Labcorp Genetics (formerly Invitae), Labcorp
Classification: Uncertain significance. Last evaluated: 2024-10-16. Review status: criteria provided, single submitter. Criteria: Invitae Variant Classification Sherloc (09022015). Collection method: clinical testing. Allele origin: germline.
Comment: This sequence change replaces glycine, which is neutral and non-polar, with serine, which is neutral and polar, at codon 1629 of the USH2A protein (p.Gly1629Ser). This variant also falls at the last nucleotide of exon 23, which is part of the consensus splice site for this exon. This variant is not present in population databases (gnomAD no frequency). This variant has not been reported in the literature in individuals affected with USH2A-related conditions. ClinVar contains an entry for this variant (Variation ID: 1401892). An algorithm developed to predict the effect of missense changes on protein structure and function (PolyPhen-2) suggests that this variant is likely to be disruptive. Variants that disrupt the consensus splice site are a relatively common cause of aberrant splicing (PMID: 17576681, 9536098). In summary, the available evidence is currently insufficient to determine the role of this variant in disease. Therefore, it has been classified as a Variant of Uncertain Significance.

Blueprint Genetics
Classification: Uncertain significance. Last evaluated: 2021-03-18. Review status: criteria provided, single submitter. Criteria: ACMG Guidelines, 2015. Collection method: clinical testing. Allele origin: germline.

Literature cited by the submitters: PubMed 17576681 (cited by Labcorp Genetics (formerly Invitae), Labcorp); PubMed 9536098 (cited by Labcorp Genetics (formerly Invitae), Labcorp).